The following is an entry in ClinVar:

ClinVar aggregate classification (germline): Pathogenic (1 of 4 stars; one submission).

Conditions:
Hereditary cancer-predisposing syndrome. Also called: Hereditary Cancer Syndrome; Neoplastic Syndromes, Hereditary; Tumor predisposition; Hereditary neoplastic syndrome. Identifiers: Orphanet 140162, MedGen C0027672, MeSH D009386, MONDO:0015356.

Submission:

Ambry Genetics
Classification: Pathogenic for Hereditary cancer-predisposing syndrome. Last evaluated: 2019-07-15. Review status: criteria provided, single submitter. Criteria: Ambry Variant Classification Scheme 2023. Collection method: clinical testing. Allele origin: germline.
Comment: The c.1201delG pathogenic mutation, located in coding exon 11 of the PMS2 gene, results from a deletion of one nucleotide at nucleotide position 1201, causing a translational frameshift with a predicted alternate stop codon (p.D401Ifs*6). This alteration is expected to result in loss of function by premature protein truncation or nonsense-mediated mRNA decay. As such, this alteration is interpreted as a disease-causing mutation.

NM_000535.7(PMS2):c.1201del (p.Asp401fs)

Gene: PMS2 (PMS1 homolog 2, mismatch repair system component; minus strand). Cytogenetic location: 7p22.1.
Variant type: Deletion.
Coding change: c.1201del on transcript NM_000535.7 (MANE Select); coding-DNA position 1201, one base deleted (G; older notation c.1201delG).
Protein change: p.Asp401fs; shifts the reading frame from aspartic acid 401.
Molecular consequence: frameshift variant. On other transcripts: non-coding transcript variant (1).
Genome position (GRCh38, 1-based): chr7:5,987,564, C deleted on the plus strand (G on the coding strand, the reverse complement: PMS2 is on the minus strand); the first of 2 consecutive C bases (chr7:5,987,564-5,987,565); deleting either gives the same sequence. VCF-style (leftmost placement, unchanged base first): chr7-5987563-TC-T. GRCh37 (hg19) VCF-style: chr7-6027194-TC-T.
Other names: c.795delG, p.Asp266Ilefs (NM_001018040.1, NM_001406887.1, NM_001406888.1 and 13 more transcripts); c.796del, p.Asp266fs (NM_001322003.2, NM_001322004.2, NM_001322005.2 and 1 more transcripts); c.1045del, p.Asp349fs (NM_001322006.2); c.883del, p.Asp295fs (NM_001322007.2, NM_001322008.2); c.640del, p.Asp214fs (NM_001322010.2); c.268del, p.Asp90fs (NM_001322011.2, NM_001322012.2); c.628del, p.Asp210fs (NM_001322013.2); c.1201del, p.Asp401fs (NM_001322014.2); and 20 more; short protein forms D210fs, D349fs, D214fs, D295fs, D266fs, D90fs, D298fs, D401fs.
Identifiers: ClinVar variation 1747672 (VCV001747672.2), dbSNP rs2128736312, ClinGen allele CA2580076983.